The following is an entry in ClinVar:

NM_000170.3(GLDC):c.937G>C (p.Ala313Pro)

Gene: GLDC (glycine decarboxylase; minus strand). Cytogenetic location: 9p24.1.
Variant type: single nucleotide variant.
Coding change: c.937G>C on transcript NM_000170.3 (MANE Select); coding-DNA position 937, G replaced by C.
Protein change: p.Ala313Pro; replaces alanine 313 with proline.
Molecular consequence: missense variant.
Genome position (GRCh38, 1-based): chr9:6,604,709, C>G on the plus strand (G>C on the coding strand, the complement: GLDC is on the minus strand). VCF-style: chr9-6604709-C-G. GRCh37 (hg19) VCF-style: chr9-6604709-C-G.
Other names: short protein forms A313P.
Identifiers: ClinVar variation 56109 (VCV000056109.4), dbSNP rs386833592, ClinGen allele CA263451.

ClinVar aggregate classification (germline): Uncertain significance. Review status: criteria provided, single submitter (1 of 4 stars). 2 submissions from 2 submitters: Uncertain significance (1). 1 of the submissions does not count toward it. Last evaluated 2024-03-19.

Conditions:
Glycine encephalopathy. Also called: Nonketotic hyperglycinemia; Non-ketotic hyperglycinemia. Identifiers: Orphanet 407, MedGen C0751748, MONDO:0011612, HP:0008288.

Allele frequency attached by ClinVar (database versions not stated): TOPMed 0.00002.
gnomAD v4.1: 2 of 1,613,904 alleles (0.00012%); highest among the groups gnomAD compares: Admixed American, 0.0017%; no homozygotes.

Submissions (2):

Women's Health and Genetics/Laboratory Corporation of America, LabCorp
Classification: Uncertain significance. Last evaluated: 2024-03-19. Review status: criteria provided, single submitter. Criteria: LabCorp Variant Classification Summary - May 2015. Collection method: clinical testing. Allele origin: germline.
Comment: Variant summary: GLDC c.937G>C (p.Ala313Pro) results in a non-conservative amino acid change located in the glycine cleavage system P-protein, N-terminal domain (IPR049315) of the encoded protein sequence. Five of five in-silico tools predict a damaging effect of the variant on protein function. The variant was absent in 251160 control chromosomes (gnomAD). The available data on variant occurrences in the general population are insufficient to allow any conclusion about variant significance. c.937G>C has been reported in the literature in the heterozygous state in an individual affected with Glycine Encephalopathy (Toone_2002). This report does not provide unequivocal conclusions about association of the variant with Glycine Encephalopathy (Non-Ketotic Hyperglycinemia). To our knowledge, no experimental evidence demonstrating an impact on protein function has been reported. The following publication has been ascertained in the context of this evaluation (PMID: 12126939). ClinVar contains an entry for this variant (Variation ID: 56109). Based on the evidence outlined above, the variant was classified as uncertain significance.

Juha Muilu Group; Institute for Molecular Medicine Finland (FIMM)
Classification: Likely pathogenic for Non-ketotic hyperglycinemia. Review status: no assertion criteria provided. Collection method: not provided. Allele origin: unknown. Not counted in ClinVar's aggregate classification.
Comment: FinDis database variant: This variant was not found or characterized by our laboratory, data were collected from public sources: see reference
ClinVar note: Converted during submission from probable-pathogenic to Likely pathogenic.

Literature cited by the submitters: PubMed 12126939 (cited by Women's Health and Genetics/Laboratory Corporation of America, LabCorp).